The following is an entry in ClinVar:

NM_003954.5(MAP3K14):c.440AGA[2] (p.Lys149del)

Gene: MAP3K14 (mitogen-activated protein kinase kinase kinase 14; minus strand). Cytogenetic location: 17q21.31.
Variant type: Microsatellite.
Coding change: c.440AGA[2] on transcript NM_003954.5 (MANE Select); two copies in a row of the 3-base unit AGA starting at c.440; the reference has three copies in a row; one copy, 3 bases deleted.
Protein change: p.Lys149del; deletes lysine 149.
Molecular consequence: inframe deletion.
Genome position (GRCh38, 1-based): chr17:45,287,243-45,287,245, TCT deleted on the plus strand (AGA on the coding strand, the reverse complement: MAP3K14 is on the minus strand); deleting any 3 consecutive bases within chr17:45,287,243-45,287,253 gives the same sequence; the position shown is the placement nearest the transcript's 3' end. VCF-style (leftmost placement, unchanged base first): chr17-45287242-CTCT-C. GRCh37 (hg19) VCF-style: chr17-43364608-CTCT-C.
Other names: short protein forms K149del.
Identifiers: ClinVar variation 1938670 (VCV001938670.5), dbSNP rs764679785, ClinGen allele CA8614351.

ClinVar aggregate classification (germline): Uncertain significance (1 of 4 stars; one submission).

Conditions:
NIK deficiency. Also called: Primary immunodeficiency with multifaceted aberrant lymphoid immunity. Identifiers: Orphanet 447731, MedGen C5680065, MONDO:0018642.

Submission:

Labcorp Genetics (formerly Invitae), Labcorp
Classification: Uncertain significance for NIK deficiency. Last evaluated: 2024-10-29. Review status: criteria provided, single submitter. Criteria: Invitae Variant Classification Sherloc (09022015). Collection method: clinical testing. Allele origin: germline.
Comment: This variant, c.446_448del, results in the deletion of 1 amino acid(s) of the MAP3K14 protein (p.Lys149del), but otherwise preserves the integrity of the reading frame. This variant is present in population databases (rs764679785, gnomAD 0.01%). This variant has not been reported in the literature in individuals affected with MAP3K14-related conditions. Experimental studies and prediction algorithms are not available or were not evaluated, and the functional significance of this variant is currently unknown. In summary, the available evidence is currently insufficient to determine the role of this variant in disease. Therefore, it has been classified as a Variant of Uncertain Significance.